The following is an entry in ClinVar:

NM_000038.6(APC):c.532-14A>T

Gene: APC (APC regulator of Wnt signaling pathway; plus strand). Cytogenetic location: 5q22.2.
Variant type: single nucleotide variant.
Coding change: c.532-14A>T on transcript NM_000038.6 (MANE Select); 14 bases into the intron before coding-DNA position 532, A replaced by T.
Molecular consequence: intron variant.
Genome position (GRCh38, 1-based): chr5:112,780,776, A>T. VCF-style: chr5-112780776-A-T. GRCh37 (hg19) VCF-style: chr5-112116473-A-T.
Other names: c.532-14A>T (NM_001354895.2, NM_001127510.3, NM_001354896.2 and 2 more transcripts); c.562-14A>T (NM_001354897.2, NM_001354902.2, NM_001127511.3); c.457-14A>T (NM_001354898.2, NM_001354904.2); c.-504-14A>T (NM_001354906.2); c.355-14A>T (NM_001354900.2, NM_001354901.2, NM_001354905.2).
Identifiers: ClinVar variation 490302 (VCV000490302.13), dbSNP rs375254915, ClinGen allele CA041407.

ClinVar aggregate classification (germline): Likely benign. Review status: criteria provided, multiple submitters, no conflicts (2 of 4 stars). 4 submissions from 4 submitters: Likely benign (4). Last evaluated 2025-09-17.

Conditions:
Familial adenomatous polyposis 1 (FAP1). Also called: POLYPOSIS, ADENOMATOUS INTESTINAL; FAMILIAL ADENOMATOUS POLYPOSIS 1, ATTENUATED. Identifiers: MedGen C2713442, MONDO:0021056, OMIM 175100. Disease mechanism: loss of function.
Hereditary cancer-predisposing syndrome. Also called: Hereditary Cancer Syndrome; Neoplastic Syndromes, Hereditary; Tumor predisposition; Hereditary neoplastic syndrome. Identifiers: Orphanet 140162, MedGen C0027672, MeSH D009386, MONDO:0015356.
Classic or attenuated familial adenomatous polyposis. Identifiers: MedGen CN372698, MONDO:0021057.

Allele frequency attached by ClinVar (database versions not stated): gnomAD exomes below 0.00001; gnomAD 0.00001.
gnomAD v4.1: 4 of 1,550,108 alleles (0.00026%); highest among the groups gnomAD compares: African/African-American, 0.0014%; no homozygotes.

Submissions (4):

Labcorp Genetics (formerly Invitae), Labcorp
Classification: Likely benign for Familial adenomatous polyposis 1. Last evaluated: 2025-09-17. Review status: criteria provided, single submitter. Criteria: Invitae Variant Classification Sherloc (09022015). Collection method: clinical testing. Allele origin: germline.

Myriad Genetics, Inc.
Classification: Likely benign for Familial adenomatous polyposis 1. Last evaluated: 2024-02-23. Review status: criteria provided, single submitter. Criteria: Myriad Autosomal Dominant, Autosomal Recessive and X-Linked Classification Criteria (2023). Collection method: clinical testing. Allele origin: unknown.
Comment: This variant is considered likely benign. This variant is intronic and is not expected to impact mRNA splicing.

All of Us Research Program, National Institutes of Health
Classification: Likely benign for Classic or attenuated familial adenomatous polyposis. Last evaluated: 2023-11-30. Review status: criteria provided, single submitter. Criteria: ACMG Guidelines, 2015. Collection method: clinical testing. Allele origin: germline. Inheritance: Autosomal dominant inheritance. Observed: 2 variant alleles, 2 heterozygotes.
Comment: This study involves interpretation of variants in research participants for the purpose of population health screening. Participant phenotype was not available at the time of variant classification. Additional details can be found in publication PMID: 35346344, PMCID: PMC8962531

Color Diagnostics, LLC DBA Color Health
Classification: Likely benign for Hereditary cancer-predisposing syndrome. Last evaluated: 2017-08-08. Review status: criteria provided, single submitter. Criteria: ACMG Guidelines, 2015. Collection method: clinical testing. Allele origin: germline.